The following is an entry in ClinVar:

NM_001354768.3(NRL):c.149C>T (p.Ser50Leu)

Gene: NRL (neural retina leucine zipper; minus strand). Cytogenetic location: 14q11.2.
Variant type: single nucleotide variant.
Coding change: c.149C>T on transcript NM_001354768.3 (MANE Select); coding-DNA position 149, C replaced by T.
Protein change: p.Ser50Leu; replaces serine 50 with leucine.
Molecular consequence: missense variant. On other transcripts: intron variant (1).
Genome position (GRCh38, 1-based): chr14:24,082,700, G>A on the plus strand (C>T on the coding strand, the complement: NRL is on the minus strand). VCF-style: chr14-24082700-G-A. GRCh37 (hg19) VCF-style: chr14-24551909-G-A.
Other names: c.149C>T, p.Ser50Leu (NM_001354769.1, NM_006177.5); c.66+83C>T (NM_001354770.2); short protein forms S50L.
Identifiers: ClinVar variation 966141 (VCV000966141.11), dbSNP rs2036353932, ClinGen allele CA389281613.
Genomic context (GRCh38, chr14:24,082,700, plus strand): 5'-TCCAGGCCTGGCCGGGTGCCCTCGGTTGCCCCCACCATGCCTGGTTCACTGAAGGTGGGT[G>A]AAGGAGGCACTGAGCTGTAAGGTGTGGAGCCCAGTGAGGCTGTAGGGGGGCCAGGTCGGC-3'
Protein context (NP_001341697.1, residues 40-60): GSTPYSSVPP[Ser50Leu]PTFSEPGMVG

ClinVar aggregate classification (germline): Pathogenic/Likely pathogenic. Review status: criteria provided, multiple submitters, no conflicts (2 of 4 stars). 3 submissions from 3 submitters: Pathogenic (2); Likely pathogenic (1). Last evaluated 2023-10-01.

Conditions:
Retinal dystrophy. Also called: Inherited retinal dystrophy. Identifiers: Orphanet 71862, MedGen C0854723, MeSH D058499, MONDO:0019118, HP:0000556.
NRL-related disorders.

Submissions (3):

Dept Of Ophthalmology, Nagoya University
Classification: Likely pathogenic for Retinal dystrophy. Last evaluated: 2023-10-01. Review status: criteria provided, single submitter. Criteria: Submitter's publication. Collection method: research. Allele origin: germline. Affected: yes.

Labcorp Genetics (formerly Invitae), Labcorp
Classification: Pathogenic. Last evaluated: 2023-07-07. Review status: criteria provided, single submitter. Criteria: Invitae Variant Classification Sherloc (09022015). Collection method: clinical testing. Allele origin: germline.
Comment: For these reasons, this variant has been classified as Pathogenic. Algorithms developed to predict the effect of sequence changes on RNA splicing suggest that this variant may create or strengthen a splice site. Experimental studies have shown that this missense change affects NRL function (PMID: 17335001). This sequence change replaces serine, which is neutral and polar, with leucine, which is neutral and non-polar, at codon 50 of the NRL protein (p.Ser50Leu). An algorithm developed to predict the effect of missense changes on protein structure and function (PolyPhen-2) suggests that this variant is likely to be disruptive. ClinVar contains an entry for this variant (Variation ID: 966141). This missense change has been observed in individuals with autosomal dominant retinitis pigmentosa (PMID: 11879142, 33691693). It has also been observed to segregate with disease in related individuals. This variant is not present in population databases (gnomAD no frequency).

Blueprint Genetics
Classification: Pathogenic for NRL-related disorders. Last evaluated: 2022-06-24. Review status: criteria provided, single submitter. Criteria: ACMG Guidelines, 2015. Collection method: clinical testing. Allele origin: germline. Affected: yes. Observed: 1 variant allele.

Literature cited by the submitters: PubMed 17335001 (cited by Labcorp Genetics (formerly Invitae), Labcorp); PubMed 11879142 (cited by Labcorp Genetics (formerly Invitae), Labcorp); PubMed 33691693 (cited by Labcorp Genetics (formerly Invitae), Labcorp).